The following is an entry in ClinVar:

ClinVar aggregate classification (germline): Uncertain significance (1 of 4 stars; one submission).

Submission:

GeneDx
Classification: Uncertain significance. Last evaluated: 2023-07-19. Review status: criteria provided, single submitter. Criteria: GeneDx Variant Classification Process June 2021. Collection method: clinical testing. Allele origin: germline. Affected: yes.
Comment: Not observed in large population cohorts (gnomAD); In silico analysis supports that this missense variant does not alter protein structure/function; Has not been previously published as pathogenic or benign to our knowledge

NM_000284.4(PDHA1):c.523G>T (p.Ala175Ser)

Gene: PDHA1 (pyruvate dehydrogenase E1 subunit alpha 1; plus strand). Cytogenetic location: Xp22.12.
Variant type: single nucleotide variant.
Coding change: c.523G>T on transcript NM_000284.4 (MANE Select); coding-DNA position 523, G replaced by T.
Protein change: p.Ala175Ser; replaces alanine 175 with serine.
Molecular consequence: missense variant. On other transcripts: intron variant (1).
Genome position (GRCh38, 1-based): chrX:19,354,503, G>T. VCF-style: chrX-19354503-G-T. GRCh37 (hg19) VCF-style: chrX-19372621-G-T.
Other names: c.637G>T, p.Ala213Ser (NM_001173454.2); c.544G>T, p.Ala182Ser (NM_001173455.2); c.511-846G>T (NM_001173456.2); short protein forms A175S, A182S, A213S.
Identifiers: ClinVar variation 2577838 (VCV002577838.1), dbSNP rs1569191372, ClinGen allele CA412393878.
Genomic context (GRCh38, chrX:19,354,503, plus strand): 5'-CCCCTCATGGATTTCTGTGGTTCCTTTCTCGGTTGTCCTTAATGTTAGGTGCCCCTGGGC[G>T]CTGGGATTGCTCTAGCCTGTAAGTATAATGGAAAAGATGAGGTCTGCCTGACTTTATATG-3'
Protein context (NP_000275.1, residues 165-185): GIVGAQVPLG[Ala175Ser]GIALACKYNG